The following is an entry in ClinVar:

ClinVar aggregate classification (germline): Uncertain significance (1 of 4 stars; one submission).

Conditions:
Immunodeficiency. Identifiers: MedGen C0021051, MONDO:0021094, HP:0002721.

Submission:

Labcorp Genetics (formerly Invitae), Labcorp
Classification: Uncertain significance for Immunodeficiency. Last evaluated: 2022-07-25. Review status: criteria provided, single submitter. Criteria: Invitae Variant Classification Sherloc (09022015). Collection method: clinical testing. Allele origin: germline.
Comment: Algorithms developed to predict the effect of missense changes on protein structure and function are either unavailable or do not agree on the potential impact of this missense change (SIFT: "Deleterious"; PolyPhen-2: "Possibly Damaging"; Align-GVGD: "Class C15"). In summary, the available evidence is currently insufficient to determine the role of this variant in disease. Therefore, it has been classified as a Variant of Uncertain Significance. This variant has not been reported in the literature in individuals affected with NFAT5-related conditions. This variant is not present in population databases (gnomAD no frequency). This sequence change replaces serine, which is neutral and polar, with phenylalanine, which is neutral and non-polar, at codon 1092 of the NFAT5 protein (p.Ser1092Phe).

NM_138713.4(NFAT5):c.3557C>T (p.Ser1186Phe)

Gene: NFAT5 (nuclear factor of activated T cells 5; plus strand). Cytogenetic location: 16q22.1.
Variant type: single nucleotide variant.
Coding change: c.3557C>T on transcript NM_138713.4 (MANE Select); coding-DNA position 3557, C replaced by T.
Protein change: p.Ser1186Phe; replaces serine 1186 with phenylalanine.
Molecular consequence: missense variant.
Genome position (GRCh38, 1-based): chr16:69,693,382, C>T. VCF-style: chr16-69693382-C-T. GRCh37 (hg19) VCF-style: chr16-69727285-C-T.
Other names: c.3554C>T, p.Ser1185Phe (NM_001113178.3); c.2882C>T, p.Ser961Phe (NM_001367709.1); c.3503C>T, p.Ser1168Phe (NM_006599.4); c.3275C>T, p.Ser1092Phe (NM_138714.4, NM_173214.3, NM_173215.3); short protein forms S1092F, S1168F, S1185F, S1186F, S961F.
Identifiers: ClinVar variation 1713753 (VCV001713753.5), dbSNP rs2544247017, ClinGen allele CA396513273.